The following is an entry in ClinVar:

ClinVar aggregate classification (germline): Uncertain significance (1 of 4 stars; one submission).

Conditions:
Diamond-Blackfan anemia. Also called: Blackfan Diamond syndrome; Aregenerative anemia chronic congenital; Red cell aplasia, pure hereditary; Congenital hypoplastic anemia; Aase syndrome. Identifiers: Orphanet 124, MedGen C1260899, MeSH D029503, MONDO:0015253, HP:0004810.

Allele frequency attached by ClinVar (database versions not stated): gnomAD exomes below 0.00001; gnomAD 0.00001.
gnomAD v4.1: 8 of 1,589,594 alleles (0.0005%); highest among the groups gnomAD compares: Non-Finnish European, 0.00051%; no homozygotes.

Submission:

Labcorp Genetics (formerly Invitae), Labcorp
Classification: Uncertain significance for Diamond-Blackfan anemia. Last evaluated: 2025-04-10. Review status: criteria provided, single submitter. Criteria: Invitae Variant Classification Sherloc (09022015). Collection method: clinical testing. Allele origin: germline.
Comment: This sequence change disrupts the translational stop signal of the RPL26 mRNA. It is expected to extend the length of the RPL26 protein by 8 additional amino acid residues. This variant is present in population databases (no rsID available, gnomAD 0.002%). This variant has not been reported in the literature in individuals affected with RPL26-related conditions. ClinVar contains an entry for this variant (Variation ID: 2088276). In summary, the available evidence is currently insufficient to determine the role of this variant in disease. Therefore, it has been classified as a Variant of Uncertain Significance.

NM_000987.5(RPL26):c.436T>G (p.Ter146Glu)

Gene: RPL26 (ribosomal protein L26; minus strand). Cytogenetic location: 17p13.1.
Variant type: single nucleotide variant.
Coding change: c.436T>G on transcript NM_000987.5 (MANE Select); coding-DNA position 436, T replaced by G.
Protein change: p.Ter146Glu.
Molecular consequence: stop lost.
Genome position (GRCh38, 1-based): chr17:8,377,566, A>C on the plus strand (T>G on the coding strand, the complement: RPL26 is on the minus strand). VCF-style: chr17-8377566-A-C. GRCh37 (hg19) VCF-style: chr17-8280884-A-C.
Other names: c.436T>G, p.Ter146Glu (NM_001315530.2, NM_001315531.2).
Identifiers: ClinVar variation 2088276 (VCV002088276.4), dbSNP rs1439118698, ClinGen allele CA398012059.